The following is an entry in ClinVar:

ClinVar aggregate classification (germline): Likely benign. Review status: criteria provided, multiple submitters, no conflicts (2 of 4 stars). 2 submissions from 2 submitters: Likely benign (2). Last evaluated 2022-02-08.

Conditions:
3-methylcrotonyl-CoA carboxylase 2 deficiency. Also called: METHYLCROTONYLGLYCINURIA, TYPE II; 3 alpha methylcrotonyl-CoA carboxylase 2 deficiency; 3 alpha methylcrotonylglycinuria 2; MCC 2 deficiency; Methylcrotonylglycinuria type 2. Identifiers: Orphanet 6, MedGen C1859499, MONDO:0008862, OMIM 210210.

Allele frequency attached by ClinVar (database versions not stated): gnomAD exomes below 0.00001; TOPMed 0.00001; gnomAD 0.00003.
gnomAD v4.1: 1 of 1,614,120 alleles (0.000062%); highest among the groups gnomAD compares: Admixed American, 0.0017%; no homozygotes.

Submissions (2):

Labcorp Genetics (formerly Invitae), Labcorp
Classification: Likely benign for 3-methylcrotonyl-CoA carboxylase 2 deficiency. Last evaluated: 2022-02-08. Review status: criteria provided, single submitter. Criteria: Invitae Variant Classification Sherloc (09022015). Collection method: clinical testing. Allele origin: germline.

GeneDx
Classification: Likely benign. Last evaluated: 2017-12-21. Review status: criteria provided, single submitter. Criteria: GeneDx Variant Classification (06012015). Collection method: clinical testing. Allele origin: germline. Affected: yes.
Comment: This variant is considered likely benign or benign based on one or more of the following criteria: it is a conservative change, it occurs at a poorly conserved position in the protein, it is predicted to be benign by multiple in silico algorithms, and/or has population frequency not consistent with disease.

NM_022132.5(MCCC2):c.1521G>A (p.Glu507=)

Gene: MCCC2 (methylcrotonyl-CoA carboxylase subunit 2; plus strand). Cytogenetic location: 5q13.2.
Variant type: single nucleotide variant.
Coding change: c.1521G>A on transcript NM_022132.5 (MANE Select); coding-DNA position 1521, G replaced by A.
Protein change: p.Glu507=; no amino-acid change (glutamic acid 507 retained).
Molecular consequence: synonymous variant.
Genome position (GRCh38, 1-based): chr5:71,652,701, G>A. VCF-style: chr5-71652701-G-A. GRCh37 (hg19) VCF-style: chr5-70948528-G-A.
Other names: c.1407G>A, p.Glu469= (NM_001363147.1).
Identifiers: ClinVar variation 513954 (VCV000513954.8), dbSNP rs1266022580, ClinGen allele CA444803018.